The following is an entry in ClinVar:

NM_001042492.3(NF1):c.2251+11A>G

Gene: NF1 (neurofibromin 1; plus strand). Cytogenetic location: 17q11.2.
Variant type: single nucleotide variant.
Coding change: c.2251+11A>G on transcript NM_001042492.3 (MANE Select); 11 bases into the intron after coding-DNA position 2251, A replaced by G.
Molecular consequence: intron variant.
Genome position (GRCh38, 1-based): chr17:31,226,695, A>G. VCF-style: chr17-31226695-A-G. GRCh37 (hg19) VCF-style: chr17-29553713-A-G.
Other names: c.2251+11A>G (NM_000267.4).
Identifiers: ClinVar variation 1975022 (VCV001975022.7), dbSNP rs2067021651, ClinGen allele CA2255561278.

ClinVar aggregate classification (germline): Uncertain significance. Review status: criteria provided, multiple submitters, no conflicts (2 of 4 stars). 2 submissions from 2 submitters: Uncertain significance (2). Last evaluated 2025-06-15.

Conditions:
Neurofibromatosis, type 1 (NF1). Also called: Peripheral type neurofibromatosis; VON RECKLINGHAUSEN DISEASE; Neurofibromatosis, type I; NEUROFIBROMATOSIS, TYPE I, SOMATIC. Identifiers: Orphanet 636, MedGen C0027831, MONDO:0018975, OMIM 162200. Disease mechanism: loss of function.
Hereditary cancer-predisposing syndrome. Also called: Hereditary neoplastic syndrome; Neoplastic Syndromes, Hereditary; Tumor predisposition; Hereditary Cancer Syndrome. Identifiers: Orphanet 140162, MedGen C0027672, MeSH D009386, MONDO:0015356.
Cardiovascular phenotype. Identifiers: MedGen CN230736.

Allele frequency attached by ClinVar (database versions not stated): TOPMed below 0.00001.

Submissions (3):

Labcorp Genetics (formerly Invitae), Labcorp
Classification: Uncertain significance for Neurofibromatosis, type 1. Last evaluated: 2025-06-15. Review status: criteria provided, single submitter. Criteria: Invitae Variant Classification Sherloc (09022015). Collection method: clinical testing. Allele origin: germline.
Comment: This sequence change falls in intron 18 of the NF1 gene. It does not directly change the encoded amino acid sequence of the NF1 protein. This variant is not present in population databases (gnomAD no frequency). This variant has not been reported in the literature in individuals affected with NF1-related conditions. ClinVar contains an entry for this variant (Variation ID: 1975022). Algorithms developed to predict the effect of sequence changes on RNA splicing suggest that this variant may create or strengthen a splice site. In summary, the available evidence is currently insufficient to determine the role of this variant in disease. Therefore, it has been classified as a Variant of Uncertain Significance.

Ambry Genetics
Classification: Uncertain significance for Cardiovascular phenotype; Hereditary cancer-predisposing syndrome. Last evaluated: 2022-11-10. Review status: criteria provided, single submitter. Criteria: Ambry Variant Classification Scheme 2023. Collection method: clinical testing. Allele origin: germline.
Comment: The c.2251+11A>G intronic alteration consists of a A to G substitution 1 nucleotides after coding exon 18 in the NF1 gene. Based on insufficient or conflicting evidence, the clinical significance of this alteration remains unclear.

Dr. Peter K. Rogan Lab, Western University
No classification provided (evidence only). Condition: Uterine corpus endometrial carcinoma. Review status: no classification provided. Collection method: in vitro. Allele origin: not applicable. Functional consequence: cryptic splice site. Not counted in ClinVar's aggregate classification.